The following is an entry in ClinVar:

ClinVar aggregate classification (germline): Conflicting classifications of pathogenicity. Review status: criteria provided, conflicting classifications (1 of 4 stars). 3 submissions from 3 submitters: Uncertain significance (2); Benign (1). Last evaluated 2025-03-01.

Conditions:
Interstitial lung disease 2 (ILD2). Also called: FIBROCYSTIC PULMONARY DYSPLASIA; FIBROSING ALVEOLITIS, CRYPTOGENIC; Familial idiopathic pulmonary fibrosis. Identifiers: Orphanet 2032, Orphanet 79126, MedGen C5561926, MONDO:0800497, OMIM 178500, MONDO:0800029.

Allele frequency attached by ClinVar (database versions not stated): 1000 Genomes Project 30x 0.00141; 1000 Genomes Project 0.00160; ESP Exome Variant Server 0.00291; TOPMed 0.00294.
gnomAD v4.1: 5,273 of 1,613,316 alleles (0.33%); highest among the groups gnomAD compares: Middle Eastern, 1.2%; 23 homozygotes.

Submissions (3):

CeGaT Center for Human Genetics Tuebingen
Classification: Benign. Last evaluated: 2025-03-01. Review status: criteria provided, single submitter. Criteria: CeGaT Center For Human Genetics Tuebingen Variant Classification Criteria Version 2. Collection method: clinical testing. Allele origin: germline. Affected: yes. Observed: 2 variant alleles.
Comment: MUC5B: BP4, BS1, BS2

Baylor Genetics
Classification: Uncertain significance for Interstitial lung disease 2. Last evaluated: 2018-02-05. Review status: criteria provided, single submitter. Criteria: ACMG Guidelines, 2015. Collection method: clinical testing. Allele origin: maternal. Affected: yes.
Comment: This variant was determined to be of uncertain significance according to ACMG Guidelines, 2015 [PMID:25741868].

Breakthrough Genomics
Classification: Uncertain significance. Review status: criteria provided, single submitter. Criteria: ACMG Guidelines, 2015. Collection method: not provided. Allele origin: germline. Inheritance: Autosomal dominant inheritance. Affected: yes.

NM_002458.3(MUC5B):c.9005C>A (p.Thr3002Lys)

Genes: MUC5B (mucin 5B, oligomeric mucus/gel-forming; plus strand), MUC5B-AS1 (MUC5B antisense RNA 1; minus strand). Cytogenetic location: 11p15.5.
Variant type: single nucleotide variant.
Coding change: c.9005C>A on transcript NM_002458.3 (MANE Select); coding-DNA position 9005, C replaced by A.
Protein change: p.Thr3002Lys; replaces threonine 3002 with lysine.
Molecular consequence: missense variant.
Genome position (GRCh38, 1-based): chr11:1,245,885, C>A. VCF-style: chr11-1245885-C-A. GRCh37 (hg19) VCF-style: chr11-1267115-C-A.
Other names: short protein forms T3002K.
Identifiers: ClinVar variation 1033923 (VCV001033923.16), dbSNP rs200554635, ClinGen allele CA5806798.